The following is an entry in ClinVar:

NM_004360.5(CDH1):c.2262C>A (p.Tyr754Ter)

Gene: CDH1 (cadherin 1; plus strand). Cytogenetic location: 16q22.1.
Variant type: single nucleotide variant.
Coding change: c.2262C>A on transcript NM_004360.5 (MANE Select); coding-DNA position 2262, C replaced by A.
Protein change: p.Tyr754Ter; replaces tyrosine 754 with a stop codon.
Molecular consequence: nonsense.
Genome position (GRCh38, 1-based): chr16:68,828,271, C>A. VCF-style: chr16-68828271-C-A. GRCh37 (hg19) VCF-style: chr16-68862174-C-A.
Other names: c.2079C>A, p.Tyr693Ter (NM_001317184.2); c.714C>A, p.Tyr238Ter (NM_001317185.2); c.297C>A, p.Tyr99Ter (NM_001317186.2); short protein forms Y238*, Y693*, Y754*, Y99*.
Identifiers: ClinVar variation 820982 (VCV000820982.7), dbSNP rs1596970988, ClinGen allele CA396469944.

ClinVar aggregate classification (germline): Pathogenic. Review status: criteria provided, multiple submitters, no conflicts (2 of 4 stars). 3 submissions from 3 submitters: Pathogenic (3). Last evaluated 2024-08-26.

Conditions:
Hereditary cancer-predisposing syndrome. Also called: Hereditary Cancer Syndrome; Neoplastic Syndromes, Hereditary; Hereditary neoplastic syndrome; Tumor predisposition. Identifiers: Orphanet 140162, MedGen C0027672, MeSH D009386, MONDO:0015356.
Hereditary diffuse gastric adenocarcinoma (HDGC). Also called: DIFFUSE GASTRIC AND LOBULAR BREAST CANCER SYNDROME. Identifiers: Orphanet 26106, MedGen C1708349, MONDO:0007648, OMIM 137215.

Submissions (3):

Women's Health and Genetics/Laboratory Corporation of America, LabCorp
Classification: Pathogenic for Hereditary diffuse gastric adenocarcinoma. Last evaluated: 2024-08-26. Review status: criteria provided, single submitter. Criteria: LabCorp Variant Classification Summary - May 2015. Collection method: clinical testing. Allele origin: germline.
Comment: Variant summary: CDH1 c.2262C>A (p.Tyr754X) results in a premature termination codon, predicted to cause a truncation of the encoded protein or absence of the protein due to nonsense mediated decay, which are commonly known mechanisms for disease. The variant was absent in 251480 control chromosomes. To our knowledge, no occurrence of c.2262C>A in individuals affected with Hereditary Diffuse Gastric Cancer and no experimental evidence demonstrating its impact on protein function have been reported. ClinVar contains an entry for this variant (Variation ID: 820982). Based on the evidence outlined above, the variant was classified as pathogenic.

Labcorp Genetics (formerly Invitae), Labcorp
Classification: Pathogenic for Hereditary diffuse gastric adenocarcinoma. Last evaluated: 2024-02-20. Review status: criteria provided, single submitter. Criteria: Invitae Variant Classification Sherloc (09022015). Collection method: clinical testing. Allele origin: germline.
Comment: This sequence change creates a premature translational stop signal (p.Tyr754*) in the CDH1 gene. It is expected to result in an absent or disrupted protein product. Loss-of-function variants in CDH1 are known to be pathogenic (PMID: 15235021, 20373070). This variant is not present in population databases (gnomAD no frequency). This variant has not been reported in the literature in individuals affected with CDH1-related conditions. ClinVar contains an entry for this variant (Variation ID: 820982). For these reasons, this variant has been classified as Pathogenic.

Ambry Genetics
Classification: Pathogenic for Hereditary cancer-predisposing syndrome. Last evaluated: 2019-07-23. Review status: criteria provided, single submitter. Criteria: Ambry Variant Classification Scheme 2023. Collection method: clinical testing. Allele origin: germline.
Comment: The p.Y754* pathogenic mutation (also known as c.2262C>A), located in coding exon 14 of the CDH1 gene, results from a C to A substitution at nucleotide position 2262. This changes the amino acid from a tyrosine to a stop codon within coding exon 14. This alteration is expected to result in loss of function by premature protein truncation or nonsense-mediated mRNA decay. As such, this alteration is interpreted as a disease-causing mutation.

Literature cited by the submitters: PubMed 15235021 (cited by Labcorp Genetics (formerly Invitae), Labcorp); PubMed 20373070 (cited by Labcorp Genetics (formerly Invitae), Labcorp).